The following is an entry in ClinVar:

ClinVar aggregate classification (germline): Likely benign. Review status: criteria provided, multiple submitters, no conflicts (2 of 4 stars). 2 submissions from 2 submitters: Likely benign (2). Last evaluated 2023-07-07.

Conditions:
Creatine transporter deficiency (CCDS1). Also called: Creatine Transporter (CRTR) Deficiency; Mental retardation , X-linked with seizures, short stature and midface hypoplasia; Mental retardation , X-linked, with creatine transport deficiency; X-linked creatine transporter deficiency; X-linked creatine deficiency syndrome; SLC6A8-Related Creatine Transporter Deficiency. Identifiers: Orphanet 52503, MedGen C1845862, MONDO:0010305, OMIM 300352.

Allele frequency attached by ClinVar (database versions not stated): TOPMed below 0.00001; gnomAD 0.00001; gnomAD exomes 0.00001.
gnomAD v4.1: 11 of 1,196,772 alleles (0.00092%); highest among the groups gnomAD compares: Non-Finnish European, 0.0012%; no homozygotes.

Submissions (2):

Labcorp Genetics (formerly Invitae), Labcorp
Classification: Likely benign for Creatine transporter deficiency. Last evaluated: 2023-07-07. Review status: criteria provided, single submitter. Criteria: Invitae Variant Classification Sherloc (09022015). Collection method: clinical testing. Allele origin: germline.

GeneDx
Classification: Likely benign. Last evaluated: 2017-03-24. Review status: criteria provided, single submitter. Criteria: GeneDx Variant Classification (06012015). Collection method: clinical testing. Allele origin: germline. Affected: yes.
Comment: This variant is considered likely benign or benign based on one or more of the following criteria: it is a conservative change, it occurs at a poorly conserved position in the protein, it is predicted to be benign by multiple in silico algorithms, and/or has population frequency not consistent with disease.

NM_005629.4(SLC6A8):c.1768-10T>C

Gene: SLC6A8 (solute carrier family 6 member 8; plus strand). Cytogenetic location: Xq28.
Variant type: single nucleotide variant.
Coding change: c.1768-10T>C on transcript NM_005629.4 (MANE Select); 10 bases into the intron before coding-DNA position 1768, T replaced by C.
Molecular consequence: intron variant.
Genome position (GRCh38, 1-based): chrX:153,695,064, T>C. VCF-style: chrX-153695064-T-C. GRCh37 (hg19) VCF-style: chrX-152960519-T-C.
Other names: c.1738-10T>C (NM_001142805.2); c.1423-10T>C (NM_001142806.1).
Identifiers: ClinVar variation 508255 (VCV000508255.9), dbSNP rs1459295373, ClinGen allele CA658799898.
Genomic context (GRCh38, chrX:153,695,064, plus strand): 5'-AGGCAGAGGAAGTCACCGTGGGGACGAGCAGGTGACCCTGGGGGCTTCAGCATGTCCTCC[T>C]CTCCTGCAGCGCTGGCAGCACCTGACCCAGCCCATCTGGGGCCTCCACCACTTGGAGTAC-3'